The following is an entry in ClinVar:

ClinVar aggregate classification (germline): Uncertain significance. Review status: criteria provided, multiple submitters, no conflicts (2 of 4 stars). 2 submissions from 2 submitters: Uncertain significance (2). Last evaluated 2026-04-28.

Conditions:
Hereditary cancer-predisposing syndrome. Also called: Tumor predisposition; Neoplastic Syndromes, Hereditary; Hereditary Cancer Syndrome; Hereditary neoplastic syndrome. Identifiers: Orphanet 140162, MedGen C0027672, MeSH D009386, MONDO:0015356.
POLD1-related polyposis and colorectal cancer syndrome (CRCS10). Also called: Colorectal cancer 10; COLORECTAL CANCER, SUSCEPTIBILITY TO, ON CHROMOSOME 19q; Colorectal cancer, susceptibility to, 10. Identifiers: Orphanet 220460, MedGen C2675481, MONDO:0012953, OMIM 612591.

Submissions (2):

Ambry Genetics
Classification: Uncertain significance for Hereditary cancer-predisposing syndrome. Last evaluated: 2026-04-28. Review status: criteria provided, single submitter. Criteria: Ambry Variant Classification Scheme 2023. Collection method: clinical testing. Allele origin: germline.
Comment: The p.G932A variant (also known as c.2795G>C), located in coding exon 21 of the POLD1 gene, results from a G to C substitution at nucleotide position 2795. The glycine at codon 932 is replaced by alanine, an amino acid with similar properties. This amino acid position is conserved. In addition, this alteration is predicted to be tolerated by in silico analysis. Based on the available evidence, the clinical significance of this variant remains unclear.

Labcorp Genetics (formerly Invitae), Labcorp
Classification: Uncertain significance for POLD1-related polyposis and colorectal cancer syndrome. Last evaluated: 2025-09-30. Review status: criteria provided, single submitter. Criteria: Invitae Variant Classification Sherloc (09022015). Collection method: clinical testing. Allele origin: germline.
Comment: This sequence change replaces glycine, which is neutral and non-polar, with alanine, which is neutral and non-polar, at codon 932 of the POLD1 protein (p.Gly932Ala). This variant is not present in population databases (gnomAD no frequency). This variant has not been reported in the literature in individuals affected with POLD1-related conditions. ClinVar contains an entry for this variant (Variation ID: 569743). Invitae Evidence Modeling of protein sequence and biophysical properties (such as structural, functional, and spatial information, amino acid conservation, physicochemical variation, residue mobility, and thermodynamic stability) indicates that this missense variant is not expected to disrupt POLD1 protein function with a negative predictive value of 80%. In summary, the available evidence is currently insufficient to determine the role of this variant in disease. Therefore, it has been classified as a Variant of Uncertain Significance.

NM_002691.4(POLD1):c.2795G>C (p.Gly932Ala)

Gene: POLD1 (DNA polymerase delta 1, catalytic subunit; plus strand). Cytogenetic location: 19q13.33.
Variant type: single nucleotide variant.
Coding change: c.2795G>C on transcript NM_002691.4 (MANE Select); coding-DNA position 2795, G replaced by C.
Protein change: p.Gly932Ala; replaces glycine 932 with alanine.
Molecular consequence: missense variant.
Genome position (GRCh38, 1-based): chr19:50,415,801, G>C. VCF-style: chr19-50415801-G-C. GRCh37 (hg19) VCF-style: chr19-50919058-G-C.
Other names: c.2795G>C, p.Gly932Ala (NM_001256849.1, LRG_785t1); c.2873G>C, p.Gly958Ala (NM_001308632.1, LRG_785t2); c.2795G>C (NM_002691.2); short protein forms G932A, G958A.
Identifiers: ClinVar variation 569743 (VCV000569743.9), dbSNP rs1568638836, ClinGen allele CA406986056.